The following is an entry in ClinVar:

ClinVar aggregate classification (germline): Uncertain significance (1 of 4 stars; one submission).

Allele frequency attached by ClinVar (database versions not stated): gnomAD exomes below 0.00001; ExAC 0.00001; gnomAD 0.00001; TOPMed 0.00001.
gnomAD v4.1: 2 of 1,602,352 alleles (0.00012%); highest among the groups gnomAD compares: African/African-American, 0.0028%; no homozygotes.

Submission:

Labcorp Genetics (formerly Invitae), Labcorp
Classification: Uncertain significance. Last evaluated: 2023-12-12. Review status: criteria provided, single submitter. Criteria: Invitae Variant Classification Sherloc (09022015). Collection method: clinical testing. Allele origin: germline.
Comment: This sequence change falls in intron 3 of the SMAD2 gene. It does not directly change the encoded amino acid sequence of the SMAD2 protein. The frequency data for this variant in the population databases is considered unreliable, as metrics indicate poor data quality at this position in the gnomAD database. This variant has not been reported in the literature in individuals affected with SMAD2-related conditions. Algorithms developed to predict the effect of sequence changes on RNA splicing suggest that this variant may create or strengthen a splice site. In summary, the available evidence is currently insufficient to determine the role of this variant in disease. Therefore, it has been classified as a Variant of Uncertain Significance.

NM_005901.6(SMAD2):c.327-4A>G

Gene: SMAD2 (SMAD family member 2; minus strand). Cytogenetic location: 18q21.1.
Variant type: single nucleotide variant.
Coding change: c.327-4A>G on transcript NM_005901.6 (MANE Select); 4 bases into the intron before coding-DNA position 327, A replaced by G.
Molecular consequence: intron variant.
Genome position (GRCh38, 1-based): chr18:47,869,440, T>C on the plus strand (A>G on the coding strand, the complement: SMAD2 is on the minus strand). VCF-style: chr18-47869440-T-C. GRCh37 (hg19) VCF-style: chr18-45395811-T-C.
Other names: c.237-4A>G (NM_001135937.3); c.327-4A>G (NM_001003652.4).
Identifiers: ClinVar variation 2986714 (VCV002986714.3), dbSNP rs754238276, ClinGen allele CA8956280.
Genomic context (GRCh38, chr18:47,869,440, plus strand): 5'-TATATAACATGTGGCAATCCTTTTCGATGGGATACCTGGAGACGACCATCAAGAGACCTG[T>C]TGGGAAGCAAGGGGAAAAGAAAGGAGGGAACTTTAAAAAAAAAAAAAAAAAAGTGCAGTC-3'